The following is an entry in ClinVar:

NM_213622.4(STAMBP):c.921G>T (p.Gly307=)

Gene: STAMBP (STAM binding protein; plus strand). Cytogenetic location: 2p13.1.
Variant type: single nucleotide variant.
Coding change: c.921G>T on transcript NM_213622.4 (MANE Select); coding-DNA position 921, G replaced by T.
Protein change: p.Gly307=; no amino-acid change (glycine 307 retained).
Molecular consequence: synonymous variant. On other transcripts: non-coding transcript variant (4).
Genome position (GRCh38, 1-based): chr2:73,850,429, G>T. VCF-style: chr2-73850429-G-T. GRCh37 (hg19) VCF-style: chr2-74077556-G-T.
Other names: c.921G>T, p.Gly307= (NM_001353967.2, NM_001353968.2, NM_001353969.2 and 3 more transcripts); c.516G>T, p.Gly172= (NM_001353971.2, NM_001353972.2, NM_001353973.2 and 3 more transcripts).
Identifiers: ClinVar variation 160046 (VCV000160046.24), dbSNP rs77000353, ClinGen allele CA173615.

ClinVar aggregate classification (germline): Benign/Likely benign. Review status: criteria provided, multiple submitters, no conflicts (2 of 4 stars). 9 submissions from 9 submitters: Benign (5); Likely benign (1). 3 of the submissions do not count toward it. Last evaluated 2026-01-30.

Conditions:
Microcephaly-capillary malformation syndrome (MICCAP). Identifiers: Orphanet 294016, MedGen C3280296, MONDO:0013659, OMIM 614261.

Allele frequency attached by ClinVar (database versions not stated): 1000 Genomes Project 30x 0.00999; TOPMed 0.01060; gnomAD 0.01095 and 0.01146; 1000 Genomes Project 0.01118; ESP Exome Variant Server 0.01153; gnomAD exomes 0.01474 and 0.01566; ExAC 0.01638.
gnomAD v4.1: 23,330 of 1,613,844 alleles (1.4%); highest among the groups gnomAD compares: Middle Eastern, 2.6%; 259 homozygotes.

Submissions (9):

Labcorp Genetics (formerly Invitae), Labcorp
Classification: Benign. Last evaluated: 2026-01-30. Review status: criteria provided, single submitter. Criteria: Invitae Variant Classification Sherloc (09022015). Collection method: clinical testing. Allele origin: germline.

ARUP Laboratories, Molecular Genetics and Genomics, ARUP Laboratories
Classification: Benign for Microcephaly-capillary malformation syndrome. Last evaluated: 2025-04-09. Review status: criteria provided, single submitter. Criteria: ARUP Molecular Germline Variant Investigation Process 2024. Collection method: clinical testing. Allele origin: germline.

Blueprint Genetics
Classification: Likely benign. Last evaluated: 2024-11-26. Review status: criteria provided, single submitter. Criteria: ACMG Guidelines, 2015. Collection method: clinical testing. Allele origin: germline.

GeneDx
Classification: Benign. Last evaluated: 2021-07-22. Review status: criteria provided, single submitter. Criteria: GeneDx Variant Classification Process June 2021. Collection method: clinical testing. Allele origin: germline. Affected: yes.

Genome-Nilou Lab
Classification: Benign for Microcephaly-capillary malformation syndrome. Last evaluated: 2021-07-15. Review status: criteria provided, single submitter. Criteria: ACMG Guidelines, 2015. Collection method: clinical testing. Allele origin: germline. Affected: no.

Breakthrough Genomics
Classification: Benign. Review status: criteria provided, single submitter. Criteria: ACMG Guidelines, 2015. Collection method: not provided. Allele origin: germline. Inheritance: Autosomal recessive inheritance. Affected: yes.

Clinical Genetics DNA and cytogenetics Diagnostics Lab, Erasmus MC, Erasmus Medical Center
Classification: Benign. Review status: no assertion criteria provided. Collection method: clinical testing. Allele origin: germline. Affected: yes. Study: VKGL Data-share Consensus. Not counted in ClinVar's aggregate classification.

Clinical Genetics, Academic Medical Center
Classification: Benign. Review status: no assertion criteria provided. Collection method: clinical testing. Allele origin: germline. Affected: yes. Study: VKGL Data-share Consensus. Not counted in ClinVar's aggregate classification.

Genetic Services Laboratory, University of Chicago
Classification: Likely benign. Review status: no assertion criteria provided. Collection method: clinical testing. Allele origin: germline. Inheritance: Autosomal recessive inheritance. Not counted in ClinVar's aggregate classification.
Comment: Likely benign based on allele frequency in 1000 Genomes Project or ESP global frequency and its presence in a patient with a rare or unrelated disease phenotype. NOT Sanger confirmed